The following is an entry in ClinVar:

NM_020921.4(NIN):c.4153G>A (p.Glu1385Lys)

Gene: NIN (ninein; minus strand). Cytogenetic location: 14q22.1.
Variant type: single nucleotide variant.
Coding change: c.4153G>A on transcript NM_020921.4 (MANE Select); coding-DNA position 4153, G replaced by A.
Protein change: p.Glu1385Lys; replaces glutamic acid 1385 with lysine.
Molecular consequence: missense variant. On other transcripts: intron variant (1).
Genome position (GRCh38, 1-based): chr14:50,756,877, C>T on the plus strand (G>A on the coding strand, the complement: NIN is on the minus strand). VCF-style: chr14-50756877-C-T. GRCh37 (hg19) VCF-style: chr14-51223595-C-T.
Other names: c.4153G>A, p.Glu1385Lys (NM_182944.3, NM_182946.2); c.2400-2010G>A (NM_016350.5); short protein forms E1385K.
Identifiers: ClinVar variation 3608877 (VCV003608877.2).

ClinVar aggregate classification (germline): Uncertain significance (1 of 4 stars; one submission).

gnomAD v4.1: 2 of 1,553,148 alleles (0.00013%); highest among the groups gnomAD compares: Admixed American, 0.002%; no homozygotes.

Submission:

Labcorp Genetics (formerly Invitae), Labcorp
Classification: Uncertain significance. Last evaluated: 2024-11-21. Review status: criteria provided, single submitter. Criteria: Invitae Variant Classification Sherloc (09022015). Collection method: clinical testing. Allele origin: germline.
Comment: This sequence change replaces glutamic acid, which is acidic and polar, with lysine, which is basic and polar, at codon 1385 of the NIN protein (p.Glu1385Lys). This variant is present in population databases (no rsID available, gnomAD 0.004%). This variant has not been reported in the literature in individuals affected with NIN-related conditions. An algorithm developed to predict the effect of missense changes on protein structure and function outputs the following: PolyPhen-2: "Benign". The lysine amino acid residue is found in multiple mammalian species, which suggests that this missense change does not adversely affect protein function. In summary, the available evidence is currently insufficient to determine the role of this variant in disease. Therefore, it has been classified as a Variant of Uncertain Significance.